The following is an entry in ClinVar:

NM_005257.6(GATA6):c.32C>T (p.Pro11Leu)

Gene: GATA6 (GATA binding protein 6; plus strand). Cytogenetic location: 18q11.2.
Variant type: single nucleotide variant.
Coding change: c.32C>T on transcript NM_005257.6 (MANE Select); coding-DNA position 32, C replaced by T.
Protein change: p.Pro11Leu; replaces proline 11 with leucine.
Molecular consequence: missense variant.
Genome position (GRCh38, 1-based): chr18:22,171,176, C>T. VCF-style: chr18-22171176-C-T. GRCh37 (hg19) VCF-style: chr18-19751137-C-T.
Other names: short protein forms P11L.
Identifiers: ClinVar variation 1463569 (VCV001463569.8), dbSNP rs1598733637, ClinGen allele CA401798335.

ClinVar aggregate classification (germline): Uncertain significance (1 of 4 stars; one submission).

Conditions:
Atrioventricular septal defect 5 (AVSD5). Identifiers: MedGen C3280939, MONDO:0013769, OMIM 614474.

Submission:

Labcorp Genetics (formerly Invitae), Labcorp
Classification: Uncertain significance for Atrioventricular septal defect 5. Last evaluated: 2021-08-09. Review status: criteria provided, single submitter. Criteria: Invitae Variant Classification Sherloc (09022015). Collection method: clinical testing. Allele origin: germline.
Comment: In summary, the available evidence is currently insufficient to determine the role of this variant in disease. Therefore, it has been classified as a Variant of Uncertain Significance. Algorithms developed to predict the effect of missense changes on protein structure and function output the following: SIFT: "Tolerated"; PolyPhen-2: "Benign"; Align-GVGD: "Class C0". The leucine amino acid residue is found in multiple mammalian species, suggesting that this missense change does not adversely affect protein function. These predictions have not been confirmed by published functional studies and their clinical significance is uncertain. This variant has not been reported in the literature in individuals with GATA6-related conditions. This variant is not present in population databases (ExAC no frequency). This sequence change replaces proline with leucine at codon 11 of the GATA6 protein (p.Pro11Leu). The proline residue is weakly conserved and there is a moderate physicochemical difference between proline and leucine.